The following is an entry in ClinVar:

ClinVar aggregate classification (germline): Uncertain significance (1 of 4 stars; one submission).

Conditions:
Hereditary cancer-predisposing syndrome. Also called: Neoplastic Syndromes, Hereditary; Hereditary Cancer Syndrome; Hereditary neoplastic syndrome; Tumor predisposition. Identifiers: Orphanet 140162, MedGen C0027672, MeSH D009386, MONDO:0015356.

Submission:

Ambry Genetics
Classification: Uncertain significance for Hereditary cancer-predisposing syndrome. Last evaluated: 2023-04-07. Review status: criteria provided, single submitter. Criteria: Ambry Variant Classification Scheme 2023. Collection method: clinical testing. Allele origin: germline.
Comment: The p.D303H variant (also known as c.907G>C), located in coding exon 6 of the BRIP1 gene, results from a G to C substitution at nucleotide position 907. The aspartic acid at codon 303 is replaced by histidine, an amino acid with similar properties. This amino acid position is conserved. In addition, the in silico prediction for this alteration is inconclusive. Since supporting evidence is limited at this time, the clinical significance of this alteration remains unclear.

NM_032043.3(BRIP1):c.907G>C (p.Asp303His)

Gene: BRIP1 (BRCA1 interacting DNA helicase 1; minus strand). Cytogenetic location: 17q23.2.
Variant type: single nucleotide variant.
Coding change: c.907G>C on transcript NM_032043.3 (MANE Select); coding-DNA position 907, G replaced by C.
Protein change: p.Asp303His; replaces aspartic acid 303 with histidine.
Molecular consequence: missense variant.
Genome position (GRCh38, 1-based): chr17:61,808,478, C>G on the plus strand (G>C on the coding strand, the complement: BRIP1 is on the minus strand). VCF-style: chr17-61808478-C-G. GRCh37 (hg19) VCF-style: chr17-59885839-C-G.
Other names: short protein forms D303H.
Identifiers: ClinVar variation 2564585 (VCV002564585.2), dbSNP rs2145410870, ClinGen allele CA400484659.